The following is an entry in ClinVar:

ClinVar aggregate classification (germline): Uncertain significance (1 of 4 stars; one submission).

gnomAD v4.1: 3 of 1,264,490 alleles (0.00024%); highest among the groups gnomAD compares: Admixed American, 0.0038%; no homozygotes.

Submission:

Labcorp Genetics (formerly Invitae), Labcorp
Classification: Uncertain significance. Last evaluated: 2024-04-25. Review status: criteria provided, single submitter. Criteria: Invitae Variant Classification Sherloc (09022015). Collection method: clinical testing. Allele origin: germline.
Comment: This sequence change falls in intron 6 of the HEPACAM gene. It does not directly change the encoded amino acid sequence of the HEPACAM protein. It affects a nucleotide within the consensus splice site. This variant is present in population databases (no rsID available, gnomAD 0.1%). This variant has not been reported in the literature in individuals affected with HEPACAM-related conditions. Variants that disrupt the consensus splice site are a relatively common cause of aberrant splicing (PMID: 17576681, 9536098). Algorithms developed to predict the effect of sequence changes on RNA splicing suggest that this variant is not likely to affect RNA splicing. In summary, the available evidence is currently insufficient to determine the role of this variant in disease. Therefore, it has been classified as a Variant of Uncertain Significance.

Literature cited by the submitters: PubMed 17576681; PubMed 9536098.

NM_152722.5(HEPACAM):c.949-3C>T

Gene: HEPACAM (hepatic and glial cell adhesion molecule; minus strand). Cytogenetic location: 11q24.2.
Variant type: single nucleotide variant.
Coding change: c.949-3C>T on transcript NM_152722.5 (MANE Select); 3 bases into the intron before coding-DNA position 949, C replaced by T.
Molecular consequence: intron variant.
Genome position (GRCh38, 1-based): chr11:124,921,443, G>A on the plus strand (C>T on the coding strand, the complement: HEPACAM is on the minus strand). VCF-style: chr11-124921443-G-A. GRCh37 (hg19) VCF-style: chr11-124791339-G-A.
Other names: c.1105-3C>T (NM_001411043.1).
Identifiers: ClinVar variation 3609319 (VCV003609319.2).